The following is an entry in ClinVar:

ClinVar aggregate classification (germline): Pathogenic (1 of 4 stars; one submission).

Conditions:
Intellectual developmental disorder with dysmorphic facies and behavioral abnormalities. Identifiers: MedGen C4748135, MONDO:0060760, OMIM 618089.

Submission:

Molecular Genetics Laboratory, Motol Hospital
Classification: Pathogenic for Intellectual developmental disorder with dysmorphic facies and behavioral abnormalities. Last evaluated: 2024-12-27. Review status: criteria provided, single submitter. Criteria: ACMG Guidelines, 2015. Collection method: clinical testing. Allele origin: de novo. Affected: yes. Observed: 1 variant allele.
Comment: The variant was found to be of a de novo origin. Rare de novo truncating variants affecting the FBXO11 gene are documented as a molecular cause of "intellectual developmental disorder with dysmorphic facies and behavioral abnormalities" (IDDFBA; OMIM:618089; PMID:29796876;30057029;30679813;27620904). To conclude, the variant is classified as pathogenic (ACMG PVS1, PM2, PS2).

Literature cited by the submitters: PubMed 29796876; PubMed 30057029; PubMed 30679813; PubMed 27620904.

NM_001190274.2(FBXO11):c.2147_2150del (p.Thr716fs)

Gene: FBXO11 (F-box protein 11; minus strand). Cytogenetic location: 2p16.3.
Variant type: Deletion.
Coding change: c.2147_2150del on transcript NM_001190274.2 (MANE Select); coding-DNA positions 2147 to 2150, 4 bases deleted (CAGA; older notation c.2147_2150delCAGA).
Protein change: p.Thr716fs; shifts the reading frame from threonine 716.
Molecular consequence: frameshift variant.
Genome position (GRCh38, 1-based): chr2:47,813,311-47,813,314, TCTG deleted on the plus strand (CAGA on the coding strand, the reverse complement: FBXO11 is on the minus strand); deleting any 4 consecutive bases within chr2:47,813,311-47,813,317 gives the same sequence; the c. name uses the placement nearest the transcript's 3' end. VCF-style (leftmost placement, unchanged base first): chr2-47813310-ATCTG-A. GRCh37 (hg19) VCF-style: chr2-48040449-ATCTG-A.
Other names: c.1895_1898del, p.Thr632fs (NM_001374325.1, NM_025133.4); short protein forms T716fs, T632fs.
Identifiers: ClinVar variation 3393449 (VCV003393449.2).